The following is an entry in ClinVar:

NM_001355436.2(SPTB):c.4892del (p.Arg1631fs)

Gene: SPTB (spectrin beta, erythrocytic; minus strand). Cytogenetic location: 14q23.3.
Variant type: Deletion.
Coding change: c.4892del on transcript NM_001355436.2 (MANE Select); coding-DNA position 4892, one base deleted (G; older notation c.4892delG).
Protein change: p.Arg1631fs; shifts the reading frame from arginine 1631.
Molecular consequence: frameshift variant.
Genome position (GRCh38, 1-based): chr14:64,774,478, C deleted on the plus strand (G on the coding strand, the reverse complement: SPTB is on the minus strand). VCF-style (leftmost placement, unchanged base first): chr14-64774477-AC-A. GRCh37 (hg19) VCF-style: chr14-65241195-AC-A.
Other names: c.4892del, p.Arg1631fs (NM_001024858.4, NM_001355437.2); short protein forms R1631fs.
Identifiers: ClinVar variation 3655217 (VCV003655217.2).

ClinVar aggregate classification (germline): Pathogenic (1 of 4 stars; one submission).

Submission:

Labcorp Genetics (formerly Invitae), Labcorp
Classification: Pathogenic. Last evaluated: 2024-05-31. Review status: criteria provided, single submitter. Criteria: Invitae Variant Classification Sherloc (09022015). Collection method: clinical testing. Allele origin: germline.
Comment: This sequence change creates a premature translational stop signal (p.Arg1631Leufs*45) in the SPTB gene. It is expected to result in an absent or disrupted protein product. Loss-of-function variants in SPTB are known to be pathogenic (PMID: 1391962, 1498324, 8844207, 26830532, 27292444). This variant is not present in population databases (gnomAD no frequency). This variant has not been reported in the literature in individuals affected with SPTB-related conditions. For these reasons, this variant has been classified as Pathogenic.

Literature cited by the submitters: PubMed 1391962; PubMed 1498324; PubMed 8844207; PubMed 26830532; PubMed 27292444.